The following is an entry in ClinVar:

NM_002693.3(POLG):c.3402T>C (p.His1134=)

Gene: POLG (DNA polymerase gamma, catalytic subunit; minus strand). Cytogenetic location: 15q26.1.
Variant type: single nucleotide variant.
Coding change: c.3402T>C on transcript NM_002693.3 (MANE Select); coding-DNA position 3402, T replaced by C.
Protein change: p.His1134=; no amino-acid change (histidine 1134 retained).
Molecular consequence: synonymous variant.
Genome position (GRCh38, 1-based): chr15:89,318,621, A>G on the plus strand (T>C on the coding strand, the complement: POLG is on the minus strand). VCF-style: chr15-89318621-A-G. GRCh37 (hg19) VCF-style: chr15-89861852-A-G.
Other names: c.3402T>C, p.His1134= (NM_001126131.2).
Identifiers: ClinVar variation 3034345 (VCV003034345.2), dbSNP rs749765817, ClinGen allele CA7724150.

ClinVar aggregate classification (germline): Likely benign (0 of 4 stars; one submission).

Conditions:
POLG-related disorder. Also called: POLG-Related Spectrum Disorders; POLG-related condition; POLG-Related Disorders. Identifiers: MedGen C4763519.

Allele frequency attached by ClinVar (database versions not stated): ExAC 0.00001; gnomAD exomes below 0.00001; TOPMed below 0.00001.
gnomAD v4.1: 7 of 1,614,200 alleles (0.00043%); highest among the groups gnomAD compares: South Asian, 0.0011%; no homozygotes.

Submission:

PreventionGenetics, part of Exact Sciences
Classification: Likely benign for POLG-related condition. Last evaluated: 2024-09-18. Review status: no assertion criteria provided. Collection method: clinical testing. Allele origin: germline.
Comment: This variant is classified as likely benign based on ACMG/AMP sequence variant interpretation guidelines (Richards et al. 2015 PMID: 25741868, with internal and published modifications).